The following is an entry in ClinVar:

ClinVar aggregate classification (germline): Uncertain significance (1 of 4 stars; one submission).

Conditions:
Chédiak-Higashi syndrome (CHS). Also called: Chediak-Higashi Syndrome. Identifiers: Orphanet 167, MedGen C0007965, MONDO:0008963, OMIM 214500.

Allele frequency attached by ClinVar (database versions not stated): gnomAD 0.00001; gnomAD exomes 0.00001.
gnomAD v4.1: 16 of 1,609,488 alleles (0.00099%); highest among the groups gnomAD compares: African/African-American, 0.0013%; no homozygotes.

Submission:

Labcorp Genetics (formerly Invitae), Labcorp
Classification: Uncertain significance for Chédiak-Higashi syndrome. Last evaluated: 2024-11-18. Review status: criteria provided, single submitter. Criteria: Invitae Variant Classification Sherloc (09022015). Collection method: clinical testing. Allele origin: germline.
Comment: This sequence change replaces threonine, which is neutral and polar, with alanine, which is neutral and non-polar, at codon 3569 of the LYST protein (p.Thr3569Ala). This variant is present in population databases (no rsID available, gnomAD 0.01%). This variant has not been reported in the literature in individuals affected with LYST-related conditions. ClinVar contains an entry for this variant (Variation ID: 1494707). Invitae Evidence Modeling of protein sequence and biophysical properties (such as structural, functional, and spatial information, amino acid conservation, physicochemical variation, residue mobility, and thermodynamic stability) indicates that this missense variant is not expected to disrupt LYST protein function with a negative predictive value of 80%. In summary, the available evidence is currently insufficient to determine the role of this variant in disease. Therefore, it has been classified as a Variant of Uncertain Significance.

NM_000081.4(LYST):c.10705A>G (p.Thr3569Ala)

Gene: LYST (lysosomal trafficking regulator; minus strand). Cytogenetic location: 1q42.3.
Variant type: single nucleotide variant.
Coding change: c.10705A>G on transcript NM_000081.4 (MANE Select); coding-DNA position 10705, A replaced by G.
Protein change: p.Thr3569Ala; replaces threonine 3569 with alanine.
Molecular consequence: missense variant.
Genome position (GRCh38, 1-based): chr1:235,687,044, T>C on the plus strand (A>G on the coding strand, the complement: LYST is on the minus strand). VCF-style: chr1-235687044-T-C. GRCh37 (hg19) VCF-style: chr1-235850344-T-C.
Other names: c.10705A>G, p.Thr3569Ala (NM_001301365.1); short protein forms T3569A.
Identifiers: ClinVar variation 1494707 (VCV001494707.8), dbSNP rs1219576638, ClinGen allele CA344924410.
Genomic context (GRCh38, chr1:235,687,044, plus strand): 5'-TGACACCGCATTTGCTTCCAGTAAACAGCTGGCAACTGTCAGGCACCCAAGCACAACTAG[T>C]CACCTTTGAAAAAGGACCAATCAAAGATTATCATGTTTTAAAAGAATGAAACTTAAAGTA-3'
Protein context (NP_000072.2, residues 3559-3579): FIQSSQQYQV[Thr3569Ala]SCAWVPDSCQ